The following is an entry in ClinVar:

NM_002778.4(PSAP):c.557G>A (p.Arg186His)

Gene: PSAP (prosaposin; minus strand). Cytogenetic location: 10q22.1.
Variant type: single nucleotide variant.
Coding change: c.557G>A on transcript NM_002778.4 (MANE Select); coding-DNA position 557, G replaced by A.
Protein change: p.Arg186His; replaces arginine 186 with histidine.
Molecular consequence: missense variant.
Genome position (GRCh38, 1-based): chr10:71,828,896, C>T on the plus strand (G>A on the coding strand, the complement: PSAP is on the minus strand). VCF-style: chr10-71828896-C-T. GRCh37 (hg19) VCF-style: chr10-73588653-C-T.
Other names: c.557G>A, p.Arg186His (NM_001042465.3, NM_001042466.3); short protein forms R186H.
Identifiers: ClinVar variation 300525 (VCV000300525.6), dbSNP rs138880818, ClinGen allele CA5547747.
Genomic context (GRCh38, chr10:71,828,896, plus strand): 5'-CAACCAAAAATGGGTCCTCAGTGGCCAGCCCGTTGTCTTACCTTTGGCTGGGGCTTGCTG[C>T]GGGGGCCGTCCTGAGGGTAGAGGAGGAGAGGGATGTTGGCCATGAAGGGGGCCACCACCT-3'
Protein context (NP_002769.1, residues 176-196): PLLLYPQDGP[Arg186His]SKPQPKDNGD

ClinVar aggregate classification (germline): Conflicting classifications of pathogenicity. Review status: criteria provided, conflicting classifications (1 of 4 stars). 5 submissions from 2 submitters: Uncertain significance (4); Likely benign (1). Last evaluated 2022-10-25.

Conditions:
Combined PSAP deficiency (PSAPD). Also called: COMBINED SAP DEFICIENCY; PROSAPOSIN DEFICIENCY; Encephalopathy due to prosaposin deficiency. Identifiers: Orphanet 139406, MedGen C2673635, MONDO:0012719, OMIM 611721.
Gaucher disease due to saposin C deficiency. Also called: Atypical Gaucher disease due to saposin C deficiency; Saposin C Deficiency. Identifiers: Orphanet 309252, Orphanet 355, MedGen C1864651, MONDO:0012517, OMIM 610539.
Krabbe disease due to saposin A deficiency. Also called: Saposin A Deficiency; KRABBE DISEASE, ATYPICAL, DUE TO SAPOSIN A DEFICIENCY. Identifiers: Orphanet 487, MedGen C2673266, MONDO:0012720, OMIM 611722.
Sphingolipid activator protein 1 deficiency. Also called: Saposin B Deficiency; METACHROMATIC LEUKODYSTROPHY DUE TO CEREBROSIDE SULFATASE ACTIVATOR DEFICIENCY; Metachromatic leukodystrophy due to saposin B deficiency. Identifiers: Orphanet 512, MedGen C0268262, MONDO:0009590, OMIM 249900.

Allele frequency attached by ClinVar (database versions not stated): gnomAD exomes 0.00006 and 0.00009; ExAC 0.00007; TOPMed 0.00010; gnomAD 0.00012 and 0.00013; ESP Exome Variant Server 0.00023.
gnomAD v4.1: 159 of 1,613,848 alleles (0.0099%); highest among the groups gnomAD compares: Non-Finnish European, 0.012%; no homozygotes.

Submissions (5):

Labcorp Genetics (formerly Invitae), Labcorp
Classification: Uncertain significance for Sphingolipid activator protein 1 deficiency. Last evaluated: 2022-10-25. Review status: criteria provided, single submitter. Criteria: Invitae Variant Classification Sherloc (09022015). Collection method: clinical testing. Allele origin: germline.
Comment: This sequence change replaces arginine, which is basic and polar, with histidine, which is basic and polar, at codon 186 of the PSAP protein (p.Arg186His). This variant is present in population databases (rs138880818, gnomAD 0.009%). This variant has not been reported in the literature in individuals affected with PSAP-related conditions. ClinVar contains an entry for this variant (Variation ID: 300525). Advanced modeling of protein sequence and biophysical properties (such as structural, functional, and spatial information, amino acid conservation, physicochemical variation, residue mobility, and thermodynamic stability) performed at Invitae indicates that this missense variant is not expected to disrupt PSAP protein function. In summary, the available evidence is currently insufficient to determine the role of this variant in disease. Therefore, it has been classified as a Variant of Uncertain Significance.

Illumina Laboratory Services, Illumina
Classification: Likely benign for Gaucher disease due to saposin C deficiency. Last evaluated: 2018-01-13. Review status: criteria provided, single submitter. Criteria: ICSL Variant Classification Criteria 13 December 2019. Collection method: clinical testing. Allele origin: germline.
Comment: This variant was observed in the ICSL laboratory as part of a predisposition screen in an ostensibly healthy population. It had not been previously curated by ICSL or reported in the Human Gene Mutation Database (HGMD: prior to June 1st, 2018), and was therefore a candidate for classification through an automated scoring system. Utilizing variant allele frequency, disease prevalence and penetrance estimates, and inheritance mode, an automated score was calculated to assess if this variant is too frequent to cause the disease. Based on the score and internal cut-off values, a variant classified as likely benign is not then subjected to further curation. The score for this variant resulted in a classification of likely benign for this disease.

Illumina Laboratory Services, Illumina
Classification: Uncertain significance for Combined PSAP deficiency. Last evaluated: 2018-01-13. Review status: criteria provided, single submitter. Criteria: ICSL Variant Classification Criteria 13 December 2019. Collection method: clinical testing. Allele origin: germline.

Illumina Laboratory Services, Illumina
Classification: Uncertain significance for Sphingolipid activator protein 1 deficiency. Last evaluated: 2018-01-13. Review status: criteria provided, single submitter. Criteria: ICSL Variant Classification Criteria 13 December 2019. Collection method: clinical testing. Allele origin: germline.

Illumina Laboratory Services, Illumina
Classification: Uncertain significance for Krabbe disease due to saposin A deficiency. Last evaluated: 2018-01-13. Review status: criteria provided, single submitter. Criteria: ICSL Variant Classification Criteria 13 December 2019. Collection method: clinical testing. Allele origin: germline.